The following is an entry in ClinVar:

NM_015374.3(SUN2):c.421G>A (p.Val141Met)

Gene: SUN2 (Sad1 and UNC84 domain containing 2; minus strand). Cytogenetic location: 22q13.1.
Variant type: single nucleotide variant.
Coding change: c.421G>A on transcript NM_015374.3 (MANE Select); coding-DNA position 421, G replaced by A.
Protein change: p.Val141Met; replaces valine 141 with methionine.
Molecular consequence: missense variant. On other transcripts: intron variant (4).
Genome position (GRCh38, 1-based): chr22:38,750,901, C>T on the plus strand (G>A on the coding strand, the complement: SUN2 is on the minus strand). VCF-style: chr22-38750901-C-T. GRCh37 (hg19) VCF-style: chr22-39146906-C-T.
Other names: c.421G>A, p.Val141Met (NM_001199579.2, NM_001199580.2, NM_001394427.1 and 11 more transcripts); c.466G>A, p.Val156Met (NM_001394429.1, NM_001394430.1); c.331G>A, p.Val111Met (NM_001394438.1); c.122+1606G>A (NM_001394443.1); c.286+309G>A (NM_001394439.1, NM_001394441.1, NM_001394440.1); c.421G>A (NM_015374.2); short protein forms V141M, V111M, V156M.
Identifiers: ClinVar variation 1515233 (VCV001515233.9), dbSNP rs1435451030, ClinGen allele CA411586656.

ClinVar aggregate classification (germline): Conflicting classifications of pathogenicity. Review status: criteria provided, conflicting classifications (1 of 4 stars). 2 submissions from 2 submitters: Uncertain significance (1); Likely benign (1). Last evaluated 2025-10-28.

Conditions:
Emery-Dreifuss muscular dystrophy (EDMD). Also called: Scapuloperoneal syndrome, X-linked (formerly); Humeroperoneal neuromuscular disease, (formerly). Identifiers: Orphanet 261, MedGen C0410189, MONDO:0016830.

Allele frequency attached by ClinVar (database versions not stated): gnomAD 0.00001; gnomAD exomes 0.00001 and 0.00002.
gnomAD v4.1: 27 of 1,613,904 alleles (0.0017%); highest among the groups gnomAD compares: Admixed American, 0.005%; no homozygotes.

Submissions (2):

Ambry Genetics
Classification: Likely benign. Last evaluated: 2025-10-28. Review status: criteria provided, single submitter. Criteria: Ambry Variant Classification Scheme 2023. Collection method: clinical testing. Allele origin: germline.

Labcorp Genetics (formerly Invitae), Labcorp
Classification: Uncertain significance for Emery-Dreifuss muscular dystrophy. Last evaluated: 2025-03-31. Review status: criteria provided, single submitter. Criteria: Invitae Variant Classification Sherloc (09022015). Collection method: clinical testing. Allele origin: germline.
Comment: This sequence change replaces valine, which is neutral and non-polar, with methionine, which is neutral and non-polar, at codon 141 of the SUN2 protein (p.Val141Met). This variant is present in population databases (no rsID available, gnomAD 0.003%). This variant has not been reported in the literature in individuals affected with SUN2-related conditions. ClinVar contains an entry for this variant (Variation ID: 1515233). An algorithm developed to predict the effect of missense changes on protein structure and function outputs the following: PolyPhen-2: "Benign". The methionine amino acid residue is found in multiple mammalian species, which suggests that this missense change does not adversely affect protein function. In summary, the available evidence is currently insufficient to determine the role of this variant in disease. Therefore, it has been classified as a Variant of Uncertain Significance.